The following is an entry in ClinVar:

NM_005618.4(DLL1):c.1342G>A (p.Ala448Thr)

Gene: DLL1 (delta like canonical Notch ligand 1; minus strand). Cytogenetic location: 6q27.
Variant type: single nucleotide variant.
Coding change: c.1342G>A on transcript NM_005618.4 (MANE Select); coding-DNA position 1342, G replaced by A.
Protein change: p.Ala448Thr; replaces alanine 448 with threonine.
Molecular consequence: missense variant.
Genome position (GRCh38, 1-based): chr6:170,283,937, C>T on the plus strand (G>A on the coding strand, the complement: DLL1 is on the minus strand). VCF-style: chr6-170283937-C-T. GRCh37 (hg19) VCF-style: chr6-170593025-C-T.
Other names: short protein forms A448T.
Identifiers: ClinVar variation 787845 (VCV000787845.13), dbSNP rs150138823, ClinGen allele CA4106852.

ClinVar aggregate classification (germline): Likely benign. Review status: criteria provided, multiple submitters, no conflicts (2 of 4 stars). 4 submissions from 4 submitters: Likely benign (3). 1 of the submissions does not count toward it. Last evaluated 2025-12-24.

Conditions:
Neurodevelopmental disorder with nonspecific brain abnormalities and with or without seizures. Identifiers: MedGen C5231470, MONDO:0032877, OMIM 618709.
DLL1-related disorder. Also called: DLL1-related condition.

Allele frequency attached by ClinVar (database versions not stated): ExAC 0.00039; 1000 Genomes Project 0.00060; 1000 Genomes Project 30x 0.00062; gnomAD 0.00080 and 0.00088; ESP Exome Variant Server 0.00100; TOPMed 0.00102.
gnomAD v4.1: 256 of 1,595,166 alleles (0.016%); highest among the groups gnomAD compares: African/African-American, 0.29%; 1 homozygote.

Submissions (4):

Labcorp Genetics (formerly Invitae), Labcorp
Classification: Likely benign. Last evaluated: 2025-12-24. Review status: criteria provided, single submitter. Criteria: Invitae Variant Classification Sherloc (09022015). Collection method: clinical testing. Allele origin: germline.

Department of Pathology and Laboratory Medicine, Sinai Health System
Classification: Likely benign for neurodevelopmental disorder with nonspecific brain abnormalities and with or without seizures. Last evaluated: 2021-07-30. Review status: criteria provided, single submitter. Criteria: ACMG Guidelines, 2015. Collection method: research. Allele origin: germline.

Breakthrough Genomics
Classification: Likely benign. Review status: criteria provided, single submitter. Criteria: ACMG Guidelines, 2015. Collection method: not provided. Allele origin: germline. Inheritance: Autosomal dominant inheritance. Affected: yes.

PreventionGenetics, part of Exact Sciences
Classification: Likely benign for DLL1-related condition. Last evaluated: 2020-07-28. Review status: no assertion criteria provided. Collection method: clinical testing. Allele origin: germline. Not counted in ClinVar's aggregate classification.
Comment: This variant is classified as likely benign based on ACMG/AMP sequence variant interpretation guidelines (Richards et al. 2015 PMID: 25741868, with internal and published modifications).